The following is an entry in ClinVar:

NM_015107.3(PHF8):c.2363C>G (p.Thr788Ser)

Gene: PHF8 (PHD finger protein 8; minus strand). Cytogenetic location: Xp11.22.
Variant type: single nucleotide variant.
Coding change: c.2363C>G on transcript NM_015107.3 (MANE Select); coding-DNA position 2363, C replaced by G.
Protein change: p.Thr788Ser; replaces threonine 788 with serine.
Molecular consequence: missense variant.
Genome position (GRCh38, 1-based): chrX:53,984,994, G>C on the plus strand (C>G on the coding strand, the complement: PHF8 is on the minus strand). VCF-style: chrX-53984994-G-C. GRCh37 (hg19) VCF-style: chrX-54011427-G-C.
Other names: c.2471C>G, p.Thr824Ser (NM_001184896.1, NM_001441097.1); c.2060C>G, p.Thr687Ser (NM_001184897.2); c.2312C>G, p.Thr771Ser (NM_001184898.2); c.2168C>G, p.Thr723Ser (NM_001441096.1, NM_001441098.1); short protein forms T687S, T723S, T771S, T788S, T824S.
Identifiers: ClinVar variation 4882414 (VCV004882414.2).

ClinVar aggregate classification (germline): Uncertain significance (1 of 4 stars; one submission).

gnomAD v4.1: 10 of 1,210,890 alleles (0.00083%); highest among the groups gnomAD compares: Non-Finnish European, 0.0011%; no homozygotes.

Submission:

Dasa
Classification: Uncertain significance. Last evaluated: 2026-01-22. Review status: criteria provided, single submitter. Criteria: DASA Assertion Criteria. Collection method: clinical testing. Allele origin: germline.
Comment: NM_015107.3(PHF8):c.2363C>G (p.Thr788Ser) is a missense variant that results in the substitution of threonine with serine. This variant is rare in population databases. Computational prediction algorithms are consistent with a benign effect. The currently available literature and clinical evidence are not sufficient to establish a definitive association between this variant and the reported condition. Therefore, this variant is classified as a variant of uncertain significance.